The following is an entry in ClinVar:

ClinVar aggregate classification (germline): Uncertain significance. Review status: criteria provided, multiple submitters, no conflicts (2 of 4 stars). 8 submissions from 8 submitters: Uncertain significance (8). Last evaluated 2026-01-12.

Conditions:
RYR1-related disorder. Also called: RYR1-related disorders; RYR1-related condition. Identifiers: MedGen CN239331.
Congenital multicore myopathy with external ophthalmoplegia (CMYO1B). Also called: MULTIMINICORE DISEASE WITH EXTERNAL OPHTHALMOPLEGIA; Congenital myopathy 1B, autosomal recessive; Minicore myopathy; Minicore myopathy with external ophthalmoplegia; MULTICORE MYOPATHY. Identifiers: Orphanet 598, Orphanet 98905, MedGen C1850674, MONDO:0009712, OMIM 255320, HP:0003789.
Congenital myopathy with fiber type disproportion. Also called: Congenital fiber-type disproportion myopathy; Congenital fiber-type disproportion. Identifiers: Orphanet 2020, MedGen C0546264, MONDO:0009711. Inheritance: all.
Malignant hyperthermia, susceptibility to, 1 (MHS1). Also called: Anesthesia related hyperthermia; Malignant hyperpyrexia; Fulminating hyperpyrexia; Pharmacogenic myopathy; RYR1-Related Malignant Hyperthermia Susceptibility; Malignant hyperthermia suceptibility 1. Identifiers: Orphanet 423, MedGen C2930980, MONDO:0007783, OMIM 145600.
Central core myopathy (CMYO1A). Also called: CONGENITAL MYOPATHY 1A, AUTOSOMAL DOMINANT, WITH SUSCEPTIBILITY TO MALIGNANT HYPERTHERMIA; Central core disease; Myopathy, central fibrillar. Identifiers: Orphanet 597, MedGen C5830701, MONDO:0007294, OMIM 117000.
King Denborough syndrome (KDS). Identifiers: MedGen C1840365, MONDO:0020485, OMIM 619542.

Allele frequency attached by ClinVar (database versions not stated): gnomAD 0.00001; TOPMed 0.00005; gnomAD exomes 0.00008 and 0.00013; ExAC 0.00011.
gnomAD v4.1: 185 of 1,613,822 alleles (0.011%); highest among the groups gnomAD compares: Non-Finnish European, 0.014%; no homozygotes.

Submissions (8):

Labcorp Genetics (formerly Invitae), Labcorp
Classification: Uncertain significance for RYR1-related disorder. Last evaluated: 2026-01-12. Review status: criteria provided, single submitter. Criteria: Invitae Variant Classification Sherloc (09022015). Collection method: clinical testing. Allele origin: germline.
Comment: This sequence change replaces glutamic acid, which is acidic and polar, with alanine, which is neutral and non-polar, at codon 572 of the RYR1 protein (p.Glu572Ala). This variant is present in population databases (rs779551357, gnomAD 0.01%). This missense change has been observed in individual(s) with clinical features of RYR1-related conditions (PMID: 37937776). ClinVar contains an entry for this variant (Variation ID: 590486). Invitae Evidence Modeling of protein sequence and biophysical properties (such as structural, functional, and spatial information, amino acid conservation, physicochemical variation, residue mobility, and thermodynamic stability) indicates that this missense variant is expected to disrupt RYR1 protein function with a positive predictive value of 95%. In summary, the available evidence is currently insufficient to determine the role of this variant in disease. Therefore, it has been classified as a Variant of Uncertain Significance.

All of Us Research Program, National Institutes of Health
Classification: Uncertain significance for Malignant hyperthermia, susceptibility to, 1. Last evaluated: 2024-08-29. Review status: criteria provided, single submitter. Criteria: ACMG Guidelines, 2015. Collection method: clinical testing. Allele origin: germline. Inheritance: Autosomal dominant inheritance. Observed: 21 variant alleles, 21 heterozygotes.
Comment: This missense variant replaces glutamic acid with alanine at codon 572 of the RYR1 protein. Computational prediction suggests that this variant may have deleterious impact on protein structure and function (internally defined REVEL score threshold >= 0.7, PMID: 27666373). To our knowledge, functional studies have not been reported for this variant. This variant has not been reported in individuals affected with malignant hyperthermia in the literature. This variant has been identified in 21/282850 chromosomes in the general population by the Genome Aggregation Database (gnomAD). The available evidence is insufficient to determine the role of this variant in disease conclusively. Therefore, this variant is classified as a Variant of Uncertain Significance.

This study involves interpretation of variants in research participants for the purpose of population health screening. Participant phenotype was not available at the time of variant classification. Additional details can be found in publication PMID: 35346344, PMCID: PMC8962531

Color Diagnostics, LLC DBA Color Health
Classification: Uncertain significance for Malignant hyperthermia, susceptibility to, 1. Last evaluated: 2024-02-02. Review status: criteria provided, single submitter. Criteria: ACMG Guidelines, 2015. Collection method: clinical testing. Allele origin: germline.
Comment: This missense variant replaces glutamic acid with alanine at codon 572 of the RYR1 protein. Computational prediction suggests that this variant may have deleterious impact on protein structure and function. To our knowledge, functional studies have not been reported for this variant. This variant has not been reported in individuals affected with RYR1-related disorders in the literature. This variant has been identified in 21/282850 chromosomes in the general population by the Genome Aggregation Database (gnomAD). The available evidence is insufficient to determine the role of this variant in disease conclusively. Therefore, this variant is classified as a Variant of Uncertain Significance.

Revvity Omics, Revvity
Classification: Uncertain significance. Last evaluated: 2023-05-31. Review status: criteria provided, single submitter. Criteria: ACMG Guidelines, 2015. Collection method: clinical testing. Allele origin: germline.

Fulgent Genetics
Classification: Uncertain significance for Central core myopathy; Malignant hyperthermia, susceptibility to, 1; Congenital myopathy 4A, autosomal dominant; Congenital multicore myopathy with external ophthalmoplegia; King Denborough syndrome. Last evaluated: 2021-08-11. Review status: criteria provided, single submitter. Criteria: ACMG Guidelines, 2015. Collection method: clinical testing. Allele origin: unknown.

New York Genome Center
Classification: Uncertain significance for Central core myopathy; Congenital multicore myopathy with external ophthalmoplegia; King Denborough syndrome. Last evaluated: 2021-06-04. Review status: criteria provided, single submitter. Criteria: NYGC Assertion Criteria 2020. Collection method: clinical testing. Allele origin: inherited. Observed: 1 heterozygote. Study: CSER-NYCKidSeq.
Comment: The inherited heterozygous c.1715A>C (p.Glu572Ala) missense variant identified in the RYR1 gene has not been reported in affected individuals in the literature. The variant has 0.00007424 allele frequency in the gnomAD(v2) database (21 out of 282850 heterozygous alleles, no homozygotes)suggesting it is not a common benign variant in the populations represented in that database. The variant has been reported in the ClinVar database as a variant of uncertain significance (Variation ID: 590486). The variant affects an evolutionarily conserved residue and is predicted deleterious by multiple in silico prediction tools. Based on the available evidence, the inherited heterozygous c.1715A>C (p.Glu572Ala) missense variant identified in the RYR1 gene is reported as a variant of uncertain significance.

GeneDx
Classification: Uncertain significance. Last evaluated: 2021-02-25. Review status: criteria provided, single submitter. Criteria: GeneDx Variant Classification Process June 2021. Collection method: clinical testing. Allele origin: germline. Affected: yes.
Comment: Not observed at a significant frequency in large population cohorts (Lek et al., 2016); In silico analysis supports that this missense variant has a deleterious effect on protein structure/function; Has not been previously published as pathogenic or benign to our knowledge

PreventionGenetics, part of Exact Sciences
Classification: Uncertain significance. Last evaluated: 2015-08-26. Review status: criteria provided, single submitter. Criteria: ACMG Guidelines, 2015. Collection method: clinical testing. Allele origin: germline.

Literature cited by the submitters: PubMed 37937776 (cited by Labcorp Genetics (formerly Invitae), Labcorp).

NM_000540.3(RYR1):c.1715A>C (p.Glu572Ala)

Gene: RYR1 (ryanodine receptor 1; plus strand). Cytogenetic location: 19q13.2.
Variant type: single nucleotide variant.
Coding change: c.1715A>C on transcript NM_000540.3 (MANE Select); coding-DNA position 1715, A replaced by C.
Protein change: p.Glu572Ala; replaces glutamic acid 572 with alanine.
Molecular consequence: missense variant.
Genome position (GRCh38, 1-based): chr19:38,455,675, A>C. VCF-style: chr19-38455675-A-C. GRCh37 (hg19) VCF-style: chr19-38946315-A-C.
Other names: c.1715A>C, p.Glu572Ala (NM_001042723.2); short protein forms E572A.
Identifiers: ClinVar variation 590486 (VCV000590486.17), dbSNP rs779551357, ClinGen allele CA062364.